The following is an entry in ClinVar:

ClinVar aggregate classification (germline): Uncertain significance (1 of 4 stars; one submission).

Submission:

Labcorp Genetics (formerly Invitae), Labcorp
Classification: Uncertain significance. Last evaluated: 2024-01-29. Review status: criteria provided, single submitter. Criteria: Invitae Variant Classification Sherloc (09022015). Collection method: clinical testing. Allele origin: germline.
Comment: This sequence change replaces alanine, which is neutral and non-polar, with serine, which is neutral and polar, at codon 52 of the ITM2B protein (p.Ala52Ser). This variant is not present in population databases (gnomAD no frequency). This variant has not been reported in the literature in individuals affected with ITM2B-related conditions. ClinVar contains an entry for this variant (Variation ID: 2099006). Advanced modeling of protein sequence and biophysical properties (such as structural, functional, and spatial information, amino acid conservation, physicochemical variation, residue mobility, and thermodynamic stability) performed at Invitae indicates that this missense variant is not expected to disrupt ITM2B protein function with a negative predictive value of 80%. In summary, the available evidence is currently insufficient to determine the role of this variant in disease. Therefore, it has been classified as a Variant of Uncertain Significance.

NM_021999.5(ITM2B):c.154G>T (p.Ala52Ser)

Gene: ITM2B (integral membrane protein 2B; plus strand). Cytogenetic location: 13q14.2.
Variant type: single nucleotide variant.
Coding change: c.154G>T on transcript NM_021999.5 (MANE Select); coding-DNA position 154, G replaced by T.
Protein change: p.Ala52Ser; replaces alanine 52 with serine.
Molecular consequence: missense variant.
Genome position (GRCh38, 1-based): chr13:48,253,844, G>T. VCF-style: chr13-48253844-G-T. GRCh37 (hg19) VCF-style: chr13-48827980-G-T.
Other names: short protein forms A52S.
Identifiers: ClinVar variation 2099006 (VCV002099006.4), dbSNP rs2542055088, ClinGen allele CA388250792.